The following is an entry in ClinVar:

NM_020937.4(FANCM):c.11G>A (p.Arg4Gln)

Gene: FANCM (FA complementation group M; plus strand). Cytogenetic location: 14q21.2.
Variant type: single nucleotide variant.
Coding change: c.11G>A on transcript NM_020937.4 (MANE Select); coding-DNA position 11, G replaced by A.
Protein change: p.Arg4Gln; replaces arginine 4 with glutamine.
Molecular consequence: missense variant.
Genome position (GRCh38, 1-based): chr14:45,136,042, G>A. VCF-style: chr14-45136042-G-A. GRCh37 (hg19) VCF-style: chr14-45605245-G-A.
Other names: c.11G>A, p.Arg4Gln (NM_001308133.2, NM_001308134.2); short protein forms R4Q.
Identifiers: ClinVar variation 572178 (VCV000572178.11), dbSNP rs140744346, ClinGen allele CA7168680.

ClinVar aggregate classification (germline): Uncertain significance. Review status: criteria provided, multiple submitters, no conflicts (2 of 4 stars). 2 submissions from 2 submitters: Uncertain significance (2). Last evaluated 2023-03-20.

Conditions:
Fanconi anemia (FA). Also called: Fanconi's anemia. Identifiers: Orphanet 84, MedGen C0015625, MeSH D005199, MONDO:0019391.

Allele frequency attached by ClinVar (database versions not stated): gnomAD exomes below 0.00001 and 0.00002; ExAC 0.00002; TOPMed 0.00002; gnomAD 0.00003 and 0.00005; ESP Exome Variant Server 0.00008.
gnomAD v4.1: 9 of 1,613,418 alleles (0.00056%); highest among the groups gnomAD compares: African/African-American, 0.011%; 1 homozygote.

Submissions (2):

GeneDx
Classification: Uncertain significance. Last evaluated: 2023-03-20. Review status: criteria provided, single submitter. Criteria: GeneDx Variant Classification Process June 2021. Collection method: clinical testing. Allele origin: germline. Affected: yes.
Comment: In silico analysis supports that this missense variant does not alter protein structure/function; Has not been previously published as pathogenic or benign to our knowledge

Labcorp Genetics (formerly Invitae), Labcorp
Classification: Uncertain significance for Fanconi anemia. Last evaluated: 2023-03-15. Review status: criteria provided, single submitter. Criteria: Invitae Variant Classification Sherloc (09022015). Collection method: clinical testing. Allele origin: germline.
Comment: Algorithms developed to predict the effect of missense changes on protein structure and function output the following: SIFT: "Not Available"; PolyPhen-2: "Possibly Damaging"; Align-GVGD: "Not Available". The glutamine amino acid residue is found in multiple mammalian species, which suggests that this missense change does not adversely affect protein function. In summary, the available evidence is currently insufficient to determine the role of this variant in disease. Therefore, it has been classified as a Variant of Uncertain Significance. ClinVar contains an entry for this variant (Variation ID: 572178). This variant has not been reported in the literature in individuals affected with FANCM-related conditions. This variant is present in population databases (rs140744346, gnomAD 0.02%). This sequence change replaces arginine, which is basic and polar, with glutamine, which is neutral and polar, at codon 4 of the FANCM protein (p.Arg4Gln).